The following is an entry in ClinVar:

ClinVar aggregate classification (germline): Likely benign (0 of 4 stars; one submission).

Conditions:
BBS9-related disorder. Also called: BBS9-related condition.

Allele frequency attached by ClinVar (database versions not stated): gnomAD exomes below 0.00001.
gnomAD v4.1: 1 of 1,466,722 alleles (0.000068%); highest among the groups gnomAD compares: Non-Finnish European, 0.000095%; no homozygotes.

Submission:

PreventionGenetics, part of Exact Sciences
Classification: Likely benign for BBS9-related condition. Last evaluated: 2019-09-25. Review status: no assertion criteria provided. Collection method: clinical testing. Allele origin: germline.
Comment: This variant is classified as likely benign based on ACMG/AMP sequence variant interpretation guidelines (Richards et al. 2015 PMID: 25741868, with internal and published modifications).

NM_198428.3(BBS9):c.328+5G>T

Gene: BBS9 (Bardet-Biedl syndrome 9; plus strand). Cytogenetic location: 7p14.3.
Variant type: single nucleotide variant.
Coding change: c.328+5G>T on transcript NM_198428.3 (MANE Select); 5 bases into the intron after coding-DNA position 328, G replaced by T.
Molecular consequence: intron variant.
Genome position (GRCh38, 1-based): chr7:33,155,707, G>T. VCF-style: chr7-33155707-G-T. GRCh37 (hg19) VCF-style: chr7-33195319-G-T.
Other names: c.328+5G>T (NM_001348036.1, NM_001362679.1, NM_001348041.4 and 5 more transcripts); c.55+5G>T (NM_001348038.3, NM_001348039.3); c.-39+2856G>T (NM_001348037.3, NM_001348045.3); c.193+5G>T (NM_001348042.3); c.-38-21771G>T (NM_001348046.3, NM_001348044.3).
Identifiers: ClinVar variation 3043662 (VCV003043662.2), dbSNP rs2535329115, ClinGen allele CA2682339594.